The following is an entry in ClinVar:

ClinVar aggregate classification (germline): Pathogenic. Review status: criteria provided, multiple submitters, no conflicts (2 of 4 stars). 2 submissions from 2 submitters: Pathogenic (2). Last evaluated 2024-02-20.

Conditions:
Pigmented paravenous retinochoroidal atrophy. Identifiers: Orphanet 251295, MedGen C1868310, MONDO:0008246, OMIM 172870.
Retinitis pigmentosa 12 (RP12). Also called: RP WITH OR WITHOUT PRESERVED PARAARTERIOLE RETINAL PIGMENT EPITHELIUM; RETINITIS PIGMENTOSA WITH OR WITHOUT PARAARTERIOLAR PRESERVATION OF RETINAL PIGMENT EPITHELIUM; RP WITH OR WITHOUT PPRPE. Identifiers: Orphanet 791, MedGen C1838647, MONDO:0010818, OMIM 600105.
Leber congenital amaurosis 8 (LCA8). Identifiers: Orphanet 65, MedGen C3151202, MONDO:0013453, OMIM 613835.

Submissions (2):

Fulgent Genetics
Classification: Pathogenic for Pigmented paravenous retinochoroidal atrophy; Retinitis pigmentosa 12; Leber congenital amaurosis 8. Last evaluated: 2024-02-20. Review status: criteria provided, single submitter. Criteria: ACMG Guidelines, 2015. Collection method: clinical testing. Allele origin: germline.

Labcorp Genetics (formerly Invitae), Labcorp
Classification: Pathogenic for Leber congenital amaurosis 8; Retinitis pigmentosa 12. Last evaluated: 2023-11-20. Review status: criteria provided, single submitter. Criteria: Invitae Variant Classification Sherloc (09022015). Collection method: clinical testing. Allele origin: germline.
Comment: This sequence change affects an acceptor splice site in intron 6 of the CRB1 gene. It is expected to disrupt RNA splicing. Variants that disrupt the donor or acceptor splice site typically lead to a loss of protein function (PMID: 16199547), and loss-of-function variants in CRB1 are known to be pathogenic (PMID: 10508521, 22065545, 23379534, 25412400, 26957898, 28041643, 29391521). This variant is not present in population databases (gnomAD no frequency). Disruption of this splice site has been observed in individuals with CRB1-related conditions (PMID: 31106028, 33342761). Algorithms developed to predict the effect of sequence changes on RNA splicing suggest that this variant may disrupt the consensus splice site. For these reasons, this variant has been classified as Pathogenic.

Literature cited by the submitters: PubMed 16199547 (cited by Labcorp Genetics (formerly Invitae), Labcorp); PubMed 10508521 (cited by Labcorp Genetics (formerly Invitae), Labcorp); PubMed 22065545 (cited by Labcorp Genetics (formerly Invitae), Labcorp); PubMed 23379534 (cited by Labcorp Genetics (formerly Invitae), Labcorp); PubMed 25412400 (cited by Labcorp Genetics (formerly Invitae), Labcorp); PubMed 26957898 (cited by Labcorp Genetics (formerly Invitae), Labcorp); PubMed 28041643 (cited by Labcorp Genetics (formerly Invitae), Labcorp); PubMed 29391521 (cited by Labcorp Genetics (formerly Invitae), Labcorp); PubMed 31106028 (cited by Labcorp Genetics (formerly Invitae), Labcorp); PubMed 33342761 (cited by Labcorp Genetics (formerly Invitae), Labcorp).

NM_201253.3(CRB1):c.2129-2A>G

Gene: CRB1 (crumbs cell polarity complex component 1; plus strand). Cytogenetic location: 1q31.3.
Variant type: single nucleotide variant.
Coding change: c.2129-2A>G on transcript NM_201253.3 (MANE Select); the canonical splice acceptor site of the intron before coding-DNA position 2129, A replaced by G.
Molecular consequence: splice acceptor variant. On other transcripts: intron variant (1).
Genome position (GRCh38, 1-based): chr1:197,427,452, A>G. VCF-style: chr1-197427452-A-G. GRCh37 (hg19) VCF-style: chr1-197396582-A-G.
Other names: c.1922-2A>G (NM_001257965.2); c.2128+5496A>G (NM_001257966.2); c.1793-2A>G (NM_001193640.2).
Identifiers: ClinVar variation 2931827 (VCV002931827.4), dbSNP rs2125483466, ClinGen allele CA344036259.